The following is an entry in ClinVar:

NM_005422.4(TECTA):c.2911G>T (p.Val971Leu)

Genes: TBCEL-TECTA (TBCEL-TECTA readthrough; plus strand), TECTA (tectorin alpha; plus strand), LOC126861365 (P300/CBP strongly-dependent group 1 enhancer GRCh37_chr11:121000154-121001353; plus strand). Cytogenetic location: 11q23.3.
Variant type: single nucleotide variant.
Coding change: c.2911G>T on transcript NM_005422.4 (MANE Select); coding-DNA position 2911, G replaced by T.
Protein change: p.Val971Leu; replaces valine 971 with leucine.
Molecular consequence: missense variant.
Genome position (GRCh38, 1-based): chr11:121,130,181, G>T. VCF-style: chr11-121130181-G-T. GRCh37 (hg19) VCF-style: chr11-121000890-G-T.
Other names: c.3868G>T, p.Val1290Leu (NM_001378761.1); short protein forms V971L, V1290L.
Identifiers: ClinVar variation 4795676 (VCV004795676.1).
Genomic context (GRCh38, chr11:121,130,181, plus strand): 5'-TCAGAGCTCTGTGACTCTGTGGCCCGGTATGCAAGCGCCTGCAAGAATGCGGACGTGGAG[G>T]TGGGGCCCTGGCGGACCTATGACTTCTGCCGTAAGTTGGGGTTGGATTCTGGGAGAGGCT-3'
Protein context (NP_005413.2, residues 961-981): ASACKNADVE[Val971Leu]GPWRTYDFCP

ClinVar aggregate classification (germline): Uncertain significance (1 of 4 stars; one submission).

gnomAD v4.1: 1 of 1,602,302 alleles (0.000062%); highest among the groups gnomAD compares: Admixed American, 0.0017%; no homozygotes.

Submission:

GeneDx
Classification: Uncertain significance. Last evaluated: 2025-08-14. Review status: criteria provided, single submitter. Criteria: GeneDx Variant Classification Process June 2021. Collection method: clinical testing. Allele origin: germline. Affected: yes.
Comment: Not observed at significant frequency in large population cohorts (gnomAD); In silico analysis suggests that this missense variant does not alter protein structure/function; Has not been previously published as pathogenic or benign to our knowledge; This variant is associated with the following publications: (PMID: 9590290, 31554319, 21520338)